The following is an entry in ClinVar:

ClinVar aggregate classification (germline): Uncertain significance. Review status: criteria provided, multiple submitters, no conflicts (2 of 4 stars). 2 submissions from 2 submitters: Uncertain significance (2). Last evaluated 2025-10-05.

Conditions:
Tatton-Brown-Rahman overgrowth syndrome. Also called: Tall stature-intellectual disability-facial dysmorphism syndrome; Tatton-Brown-Rahman syndrome. Identifiers: Orphanet 404443, MedGen C4014545, MONDO:0014382, OMIM 615879.
DNMT3A-related disorder. Also called: DNMT3A-related disorders; DNMT3A-related condition.

Allele frequency attached by ClinVar (database versions not stated): gnomAD 0.00005; ExAC 0.00006; gnomAD exomes 0.00007; 1000 Genomes Project 30x 0.00016; 1000 Genomes Project 0.00020.
gnomAD v4.1: 109 of 1,614,124 alleles (0.0068%); highest among the groups gnomAD compares: Non-Finnish European, 0.0081%; no homozygotes.

Submissions (2):

Labcorp Genetics (formerly Invitae), Labcorp
Classification: Uncertain significance for Tatton-Brown-Rahman overgrowth syndrome. Last evaluated: 2025-10-05. Review status: criteria provided, single submitter. Criteria: Invitae Variant Classification Sherloc (09022015). Collection method: clinical testing. Allele origin: germline.
Comment: This sequence change replaces serine, which is neutral and polar, with asparagine, which is neutral and polar, at codon 352 of the DNMT3A protein (p.Ser352Asn). This variant is present in population databases (rs139053291, gnomAD 0.02%). This variant has not been reported in the literature in individuals affected with DNMT3A-related conditions. ClinVar contains an entry for this variant (Variation ID: 2052526). Invitae Evidence Modeling of protein sequence and biophysical properties (such as structural, functional, and spatial information, amino acid conservation, physicochemical variation, residue mobility, and thermodynamic stability) indicates that this missense variant is not expected to disrupt DNMT3A protein function with a negative predictive value of 95%. In summary, the available evidence is currently insufficient to determine the role of this variant in disease. Therefore, it has been classified as a Variant of Uncertain Significance.

PreventionGenetics, part of Exact Sciences
Classification: Uncertain significance for DNMT3A-related condition. Last evaluated: 2025-02-21. Review status: criteria provided, single submitter. Criteria: ACMG Guidelines, 2015. Collection method: clinical testing. Allele origin: germline.
Comment: The DNMT3A c.1055G>A variant is predicted to result in the amino acid substitution p.Ser352Asn. To our knowledge, this variant has not been reported as a germline variant in association with disease but was reported as a somatic variant in cases of acute myeloid leukemia or haematological neoplasms (Li et al. 2013. PubMed ID: 23507483; Fried et al. 2012. PubMed ID: 21993668; Table S2, Tatton-Brown et al. 2014. PubMed ID: 24614070). However, this variant was predicted to be ‘likely benign’ in one publication (Table S2, Mellid et al. 2020. PubMed ID: 33182397). This variant is reported in 0.016% of alleles in individuals of South Asian descent in gnomAD. Although we suspect that this variant may be benign, at this time, the clinical significance of this variant is uncertain due to the absence of conclusive functional and genetic evidence.

NM_022552.5(DNMT3A):c.1055G>A (p.Ser352Asn)

Gene: DNMT3A (DNA methyltransferase 3 alpha; minus strand). Cytogenetic location: 2p23.3.
Variant type: single nucleotide variant.
Coding change: c.1055G>A on transcript NM_022552.5 (MANE Select); coding-DNA position 1055, G replaced by A.
Protein change: p.Ser352Asn; replaces serine 352 with asparagine.
Molecular consequence: missense variant. On other transcripts: non-coding transcript variant (1).
Genome position (GRCh38, 1-based): chr2:25,247,118, C>T on the plus strand (G>A on the coding strand, the complement: DNMT3A is on the minus strand). VCF-style: chr2-25247118-C-T. GRCh37 (hg19) VCF-style: chr2-25469987-C-T.
Other names: c.599G>A, p.Ser200Asn (NM_001320893.1); c.386G>A, p.Ser129Asn (NM_001375819.1); c.488G>A, p.Ser163Asn (NM_153759.3); c.1055G>A, p.Ser352Asn (NM_175629.2); short protein forms S163N, S200N, S352N, S129N.
Identifiers: ClinVar variation 2052526 (VCV002052526.6), dbSNP rs139053291, ClinGen allele CA1556174.